The following is an entry in ClinVar:

NM_000271.5(NPC1):c.3557G>A (p.Arg1186His)

Gene: NPC1 (NPC intracellular cholesterol transporter 1; minus strand). Cytogenetic location: 18q11.2.
Variant type: single nucleotide variant.
Coding change: c.3557G>A on transcript NM_000271.5 (MANE Select); coding-DNA position 3557, G replaced by A.
Protein change: p.Arg1186His; replaces arginine 1186 with histidine.
Molecular consequence: missense variant.
Genome position (GRCh38, 1-based): chr18:23,534,480, C>T on the plus strand (G>A on the coding strand, the complement: NPC1 is on the minus strand). VCF-style: chr18-23534480-C-T. GRCh37 (hg19) VCF-style: chr18-21114444-C-T.
Other names: short protein forms R1186H.
Identifiers: ClinVar variation 189174 (VCV000189174.26), dbSNP rs200444084, ClinGen allele CA274457.

ClinVar aggregate classification (germline): Pathogenic/Likely pathogenic. Review status: criteria provided, multiple submitters, no conflicts (2 of 4 stars). 9 submissions from 9 submitters: Pathogenic (7); Likely pathogenic (1). 1 of the submissions does not count toward it. Last evaluated 2025-10-27.

Conditions:
NPC1-related disorder. Also called: NPC1-related condition.
Niemann-Pick disease, type C (NPC). Identifiers: Orphanet 646, MedGen C0220756, MONDO:0018982.
Niemann-Pick disease, type C1. Also called: NIEMANN-PICK DISEASE, VARIANT TYPE C1; NEUROVISCERAL STORAGE DISEASE WITH VERTICAL SUPRANUCLEAR OPHTHALMOPLEGIA; NIEMANN-PICK DISEASE WITH CHOLESTEROL ESTERIFICATION BLOCK; NIEMANN-PICK DISEASE WITHOUT SPHINGOMYELINASE DEFICIENCY; NIEMANN-PICK DISEASE, CHRONIC NEURONOPATHIC FORM. Identifiers: Orphanet 646, MedGen C3179455, MONDO:0009757, OMIM 257220.

Allele frequency attached by ClinVar (database versions not stated): gnomAD 0.00002 and 0.00003; gnomAD exomes 0.00002; TOPMed 0.00003; ExAC 0.00004; ESP Exome Variant Server 0.00008; 1000 Genomes Project 30x 0.00016; 1000 Genomes Project 0.00020.
gnomAD v4.1: 27 of 1,613,982 alleles (0.0017%); highest among the groups gnomAD compares: East Asian, 0.0022%; no homozygotes.

Submissions (9):

Natera, Inc.
Classification: Pathogenic for Niemann-Pick disease type C1. Last evaluated: 2025-10-27. Review status: criteria provided, single submitter. Criteria: Natera Variant Classification Schema (03/2026). Collection method: clinical testing. Allele origin: germline.
Comment: The c.3557G>A variant in NPC1 is a missense variant predicted to cause substitution of arginine to histidine at amino acid 1186. This variant is rare in the general population with a frequency below the threshold expected for the associated phenotype(s). This variant has been observed in one or more individuals affected with the associated recessive disease, as either homozygous or compound heterozygous with a second variant (PMID: 26981555). Computational prediction algorithms indicate this variant is likely to affect gene or protein function. Given the available evidence, this variant is classified as Pathogenic.

Labcorp Genetics (formerly Invitae), Labcorp
Classification: Pathogenic for Niemann-Pick disease, type C1. Last evaluated: 2025-05-12. Review status: criteria provided, single submitter. Criteria: Invitae Variant Classification Sherloc (09022015). Collection method: clinical testing. Allele origin: germline.
Comment: This sequence change replaces arginine, which is basic and polar, with histidine, which is basic and polar, at codon 1186 of the NPC1 protein (p.Arg1186His). This variant is present in population databases (rs200444084, gnomAD 0.008%). This missense change has been observed in individual(s) with Niemann-Pick disease (PMID: 9211849, 22326530, 26666848, 28105569). ClinVar contains an entry for this variant (Variation ID: 189174). Invitae Evidence Modeling of protein sequence and biophysical properties (such as structural, functional, and spatial information, amino acid conservation, physicochemical variation, residue mobility, and thermodynamic stability) indicates that this missense variant is expected to disrupt NPC1 protein function with a positive predictive value of 95%. Experimental studies have shown that this missense change affects NPC1 function (PMID: 30923329). For these reasons, this variant has been classified as Pathogenic.

GeneDx
Classification: Pathogenic. Last evaluated: 2024-09-19. Review status: criteria provided, single submitter. Criteria: GeneDx Variant Classification Process June 2021. Collection method: clinical testing. Allele origin: germline. Affected: yes.
Comment: Not observed at significant frequency in large population cohorts (gnomAD); In silico analysis supports that this missense variant has a deleterious effect on protein structure/function; This variant is associated with the following publications: (PMID: 22326530, 9211849, 12955717, 19900398, 24386122, 25236789, 26666848, 28105569, 31743419, 34489640, 34426522, 31589614, 35417398, 38291356, 37433892, 20718790)

Mayo Clinic Laboratories, Mayo Clinic
Classification: Pathogenic. Last evaluated: 2022-06-02. Review status: criteria provided, single submitter. Criteria: ACMG Guidelines, 2015. Collection method: clinical testing. Allele origin: germline. Observed: 1 variant allele.
Comment: PP3, PM2, PM3_very_strong, PM5, PS3, PS4

Genome-Nilou Lab
Classification: Pathogenic for Niemann-Pick disease, type C1. Last evaluated: 2021-07-22. Review status: criteria provided, single submitter. Criteria: ACMG Guidelines, 2015. Collection method: clinical testing. Allele origin: germline. Affected: no.

Women's Health and Genetics/Laboratory Corporation of America, LabCorp
Classification: Pathogenic for Niemann-Pick disease, type C. Last evaluated: 2020-09-21. Review status: criteria provided, single submitter. Criteria: LabCorp Variant Classification Summary - May 2015. Collection method: clinical testing. Allele origin: germline.
Comment: Variant summary: NPC1 c.3557G>A (p.Arg1186His) results in a non-conservative amino acid change in the encoded protein sequence. Five of five in-silico tools predict a damaging effect of the variant on protein function. The variant allele was found at a frequency of 2.8e-05 in 252814 control chromosomes. c.3557G>A has been widely reported in the literature in multiple individuals affected with Niemann-Pick Disease Type C and subsequently cited by others (example, Reunert_2016, Carstea_1997, Imrie_2015). These data indicate that the variant is very likely to be associated with disease. To our knowledge, no experimental evidence demonstrating an impact on protein function has been reported. However, at-least one study reported the identification of this variant in a homozygous affected individual with elevated oxysterol levels that are oxidation products of accumulated cholesterol in NP-C cells (Reunert_2016), and serve as a biomarker for the diagnosis of Niemann Pick type C disease. Four clinical diagnostic laboratories have submitted clinical-significance assessments for this variant to ClinVar after 2014 without evidence for independent evaluation. All laboratories classified the variant as pathogenic (n=3)/likely pathogenic. Several submitters cite overlapping evidence utilized in the context of this evaluation. Based on the evidence outlined above, the variant was classified as pathogenic.

Blueprint Genetics
Classification: Pathogenic for NPC1-related disorders. Last evaluated: 2020-09-14. Review status: criteria provided, single submitter. Criteria: ACMG Guidelines, 2015. Collection method: clinical testing. Allele origin: germline. Affected: yes. Observed: 3 variant alleles.

Eurofins Ntd Llc (ga)
Classification: Likely pathogenic. Last evaluated: 2016-03-30. Review status: criteria provided, single submitter. Criteria: EGL Classification Definitions 2015. Collection method: clinical testing. Allele origin: germline. Observed: 1 variant allele, 1 heterozygote.

Counsyl
Classification: Pathogenic for Niemann-Pick disease, type C1. Last evaluated: 2018-12-21. Review status: no assertion criteria provided. Collection method: clinical testing. Allele origin: unknown. Not counted in ClinVar's aggregate classification.

Literature cited by the submitters: PubMed 26981555 (cited by 3 submitters); PubMed 9211849 (cited by 3 submitters); PubMed 22326530 (cited by 3 submitters); PubMed 26666848 (cited by 3 submitters); PubMed 28105569 (cited by Labcorp Genetics (formerly Invitae), Labcorp and Mayo Clinic Laboratories, Mayo Clinic); PubMed 30923329 (cited by Labcorp Genetics (formerly Invitae), Labcorp and Mayo Clinic Laboratories, Mayo Clinic); PubMed 19900398 (cited by Mayo Clinic Laboratories, Mayo Clinic and Counsyl); PubMed 20718790 (cited by Mayo Clinic Laboratories, Mayo Clinic and Counsyl); PubMed 25236789 (cited by Mayo Clinic Laboratories, Mayo Clinic and Counsyl); PubMed 28472934 (cited by Mayo Clinic Laboratories, Mayo Clinic); PubMed 31743419 (cited by Mayo Clinic Laboratories, Mayo Clinic); PubMed 32248828 (cited by Mayo Clinic Laboratories, Mayo Clinic); PubMed 34489640 (cited by Mayo Clinic Laboratories, Mayo Clinic); PubMed 24386122 (cited by Women's Health and Genetics/Laboratory Corporation of America, LabCorp and Counsyl).